The following is an entry in ClinVar:

ClinVar aggregate classification (germline): Benign. Review status: reviewed by expert panel (3 of 4 stars). 2 submissions from 1 submitter: Benign (1). 1 of the submissions does not count toward it. Last evaluated 2016-09-28.

Conditions:
Breast-ovarian cancer, familial, susceptibility to, 2 (BROVCA2). Also called: BRCA2 Hereditary Breast and Ovarian Cancer. Identifiers: Orphanet 145, MedGen C2675520, MONDO:0012933, OMIM 612555. Disease mechanism: loss of function.

Allele frequency attached by ClinVar (database versions not stated): 1000 Genomes Project 0.01478; TOPMed 0.02708; gnomAD 0.03507 and 0.03643; 1000 Genomes Project 30x 0.01437.

Submissions (2):

Evidence-based Network for the Interpretation of Germline Mutant Alleles (ENIGMA)
Classification: Benign for Breast-ovarian cancer, familial, susceptibility to, 2. Last evaluated: 2016-09-28. Review status: reviewed by expert panel. Criteria: ENIGMA BRCA1/2 Classification Criteria (2015). Collection method: curation. Allele origin: germline.
Comment: Class 1 not pathogenic based on frequency >1% in an outbred sampleset. Frequency 0.0567 (European), 0.013 (Admixed American/Latino), derived from 1000 genomes (2013-05-02).

Evidence-based Network for the Interpretation of Germline Mutant Alleles (ENIGMA)
Classification: Benign for Breast-ovarian cancer, familial 2. Last evaluated: 2015-01-12. Review status: flagged submission. Criteria: ENIGMA BRCA1/2 Classification Criteria (2015). Collection method: curation. Allele origin: germline. Not counted in ClinVar's aggregate classification.
Comment: Class 1 not pathogenic based on frequency >1% in an outbred sampleset. Frequency 0.06 (European), derived from 1000 genomes (2012-04-30).
ClinVar note: Reason: This record appears to be redundant with a more recent record from the same submitter.
ClinVar note: Notes: SCV000245202 appears to be redundant with SCV000321283.

NM_000059.4(BRCA2):c.8633-838_8633-835dup

Gene: BRCA2 (BRCA2 DNA repair associated; plus strand). Cytogenetic location: 13q13.1.
Variant type: Duplication.
Coding change: c.8633-838_8633-835dup on transcript NM_000059.4 (MANE Select); 838 bases into the intron before coding-DNA position 8633 through 835 bases into the intron before coding-DNA position 8633, 4 bases duplicated (TTAC; older notation c.8633-838_8633-835dupTTAC).
Molecular consequence: intron variant.
Genome position (GRCh38, 1-based): chr13:32,375,832-32,375,835, TTAC duplicated. VCF-style (leftmost placement, unchanged base first): chr13-32375831-A-ATTAC. GRCh37 (hg19) VCF-style: chr13-32949968-A-ATTAC.
Other names: IVS 20-839insTTAC.
Identifiers: ClinVar variation 264974 (VCV000264974.1), dbSNP rs34816981, ClinGen allele CA276802.